The following is an entry in ClinVar:

ClinVar aggregate classification (germline): Likely benign (1 of 4 stars; one submission).

Conditions:
TUBA4A-related disorder. Also called: TUBA4A-related condition.

Submission:

PreventionGenetics, part of Exact Sciences
Classification: Likely benign for TUBA4A-related condition. Last evaluated: 2025-02-13. Review status: criteria provided, single submitter. Criteria: ACMG Guidelines, 2015. Collection method: clinical testing. Allele origin: germline.
Comment: This variant is classified as likely benign based on ACMG/AMP sequence variant interpretation guidelines (Richards et al. 2015 PMID: 25741868, with internal and published modifications).

NM_006000.3(TUBA4A):c.663C>G (p.Arg221=)

Gene: TUBA4A (tubulin alpha 4a; minus strand). Cytogenetic location: 2q35.
Variant type: single nucleotide variant.
Coding change: c.663C>G on transcript NM_006000.3 (MANE Select); coding-DNA position 663, C replaced by G.
Protein change: p.Arg221=; no amino-acid change (arginine 221 retained).
Molecular consequence: synonymous variant.
Genome position (GRCh38, 1-based): chr2:219,251,036, G>C on the plus strand (C>G on the coding strand, the complement: TUBA4A is on the minus strand). VCF-style: chr2-219251036-G-C. GRCh37 (hg19) VCF-style: chr2-220115758-G-C.
Other names: c.618C>G, p.Arg206= (NM_001278552.2).
Identifiers: ClinVar variation 4998985 (VCV004998985.1).